The following is an entry in ClinVar:

NM_015272.5(RPGRIP1L):c.723_726del (p.Asn241fs)

Gene: RPGRIP1L (RPGRIP1 like; minus strand). Cytogenetic location: 16q12.2.
Variant type: Deletion.
Coding change: c.723_726del on transcript NM_015272.5 (MANE Select); coding-DNA positions 723 to 726, 4 bases deleted (TGAA; older notation c.723_726delTGAA).
Protein change: p.Asn241fs; shifts the reading frame from asparagine 241.
Molecular consequence: frameshift variant.
Genome position (GRCh38, 1-based): chr16:53,686,483-53,686,486, TTCA deleted on the plus strand (TGAA on the coding strand, the reverse complement: RPGRIP1L is on the minus strand); deleting any 4 consecutive bases within chr16:53,686,483-53,686,488 gives the same sequence; the c. name uses the placement nearest the transcript's 3' end. VCF-style (leftmost placement, unchanged base first): chr16-53686482-TTTCA-T. GRCh37 (hg19) VCF-style: chr16-53720394-TTTCA-T.
Other names: c.723_726del, p.Asn241fs (NM_001127897.4, NM_001308334.3, NM_001330538.2); short protein forms N241fs.
Identifiers: ClinVar variation 56562 (VCV000056562.6), dbSNP rs386833998, ClinGen allele CA144365.

ClinVar aggregate classification (germline): Pathogenic. Review status: criteria provided, single submitter (1 of 4 stars). 2 submissions from 2 submitters: Pathogenic (1). 1 of the submissions does not count toward it. Last evaluated 2022-08-05.

Conditions:
Meckel-Gruber syndrome. Also called: DYSENCEPHALIA SPLANCHNOCYSTICA; GRUBER SYNDROME; Dysencephalia splachnocystica. Identifiers: Orphanet 564, MedGen C0265215, MONDO:0018921.
Joubert syndrome. Also called: CEREBELLOPARENCHYMAL DISORDER IV; JOUBERT-BOLTSHAUSER SYNDROME; Familial aplasia of the vermis. Identifiers: Orphanet 475, MedGen C5979921, MONDO:0018772.
Meckel syndrome, type 5 (MKS5). Identifiers: Orphanet 564, MedGen C1969052, MONDO:0012695, OMIM 611561.

Submissions (2):

Labcorp Genetics (formerly Invitae), Labcorp
Classification: Pathogenic for Joubert syndrome; Meckel-Gruber syndrome. Last evaluated: 2022-08-05. Review status: criteria provided, single submitter. Criteria: Invitae Variant Classification Sherloc (09022015). Collection method: clinical testing. Allele origin: germline.
Comment: This premature translational stop signal has been observed in individual(s) with RPGRIP1L-related conditions (PMID: 21068128). This variant is also known as c.721_4delAATG (p.N241fsX25). ClinVar contains an entry for this variant (Variation ID: 56562). For these reasons, this variant has been classified as Pathogenic. This variant is not present in population databases (gnomAD no frequency). This sequence change creates a premature translational stop signal (p.Asn241Lysfs*25) in the RPGRIP1L gene. It is expected to result in an absent or disrupted protein product. Loss-of-function variants in RPGRIP1L are known to be pathogenic (PMID: 17558409).

Juha Muilu Group; Institute for Molecular Medicine Finland (FIMM)
Classification: Likely pathogenic for Meckel syndrome type 5. Review status: no assertion criteria provided. Collection method: not provided. Allele origin: unknown. Not counted in ClinVar's aggregate classification.
Comment: FinDis database variant: This variant was not found or characterized by our laboratory, data were collected from public sources: see reference
ClinVar note: Converted during submission from probable-pathogenic to Likely pathogenic.

Literature cited by the submitters: PubMed 21068128 (cited by Labcorp Genetics (formerly Invitae), Labcorp); PubMed 17558409 (cited by Labcorp Genetics (formerly Invitae), Labcorp).